The following is an entry in ClinVar:

ClinVar aggregate classification (germline): Benign. Review status: criteria provided, multiple submitters, no conflicts (2 of 4 stars). 2 submissions from 2 submitters: Benign (2). Last evaluated 2018-06-19.

Allele frequency attached by ClinVar (database versions not stated): gnomAD exomes 0.00963; gnomAD 0.04309 and 0.04485; TOPMed 0.04831; 1000 Genomes Project 0.05391; 1000 Genomes Project 30x 0.05653.
gnomAD v4.1: 20,711 of 1,610,220 alleles (1.3%); highest among the groups gnomAD compares: African/African-American, 13%; 793 homozygotes.

Submissions (2):

GeneDx
Classification: Benign. Last evaluated: 2018-06-19. Review status: criteria provided, single submitter. Criteria: GeneDx Variant Classification (06012015). Collection method: clinical testing. Allele origin: germline. Affected: yes.
Comment: This variant is considered likely benign or benign based on one or more of the following criteria: it is a conservative change, it occurs at a poorly conserved position in the protein, it is predicted to be benign by multiple in silico algorithms, and/or has population frequency not consistent with disease.

Breakthrough Genomics
Classification: Benign. Review status: criteria provided, single submitter. Criteria: ACMG Guidelines, 2015. Collection method: not provided. Allele origin: germline. Inheritance: Autosomal recessive inheritance. Affected: yes.

NM_153026.3(PRICKLE1):c.1639+60A>C

Gene: PRICKLE1 (prickle planar cell polarity protein 1; minus strand). Cytogenetic location: 12q12.
Variant type: single nucleotide variant.
Coding change: c.1639+60A>C on transcript NM_153026.3 (MANE Select); 60 bases into the intron after coding-DNA position 1639, A replaced by C.
Molecular consequence: intron variant.
Genome position (GRCh38, 1-based): chr12:42,464,335, T>G on the plus strand (A>C on the coding strand, the complement: PRICKLE1 is on the minus strand). VCF-style: chr12-42464335-T-G. GRCh37 (hg19) VCF-style: chr12-42858137-T-G.
Other names: c.1639+60A>C (NM_001144883.2, NM_001144882.2, NM_001144881.2).
Identifiers: ClinVar variation 673236 (VCV000673236.2), dbSNP rs58707767, ClinGen allele CA13708201.